The following is an entry in ClinVar:

NM_000814.6(GABRB3):c.1253A>G (p.Asp418Gly)

Gene: GABRB3 (gamma-aminobutyric acid type A receptor subunit beta3; minus strand). Cytogenetic location: 15q12.
Variant type: single nucleotide variant.
Coding change: c.1253A>G on transcript NM_000814.6 (MANE Select); coding-DNA position 1253, A replaced by G.
Protein change: p.Asp418Gly; replaces aspartic acid 418 with glycine.
Molecular consequence: missense variant.
Genome position (GRCh38, 1-based): chr15:26,547,962, T>C on the plus strand (A>G on the coding strand, the complement: GABRB3 is on the minus strand). VCF-style: chr15-26547962-T-C. GRCh37 (hg19) VCF-style: chr15-26793109-T-C.
Other names: c.998A>G, p.Asp333Gly (NM_001191320.2, NM_001278631.2); c.1040A>G, p.Asp347Gly (NM_001191321.3); c.1253A>G, p.Asp418Gly (NM_021912.5); short protein forms D333G, D347G, D418G.
Identifiers: ClinVar variation 3754024 (VCV003754024.2).

ClinVar aggregate classification (germline): Uncertain significance (1 of 4 stars; one submission).

Conditions:
Epilepsy, childhood absence, susceptibility to, 1. Also called: Epilepsy, childhood absence 1. Identifiers: Orphanet 64280, MedGen C1838604, MONDO:0020759, OMIM 600131.
Epilepsy, childhood absence, susceptibility to, 5. Identifiers: Orphanet 64280, MedGen C2677087, MONDO:0012843, OMIM 612269.

Submission:

Labcorp Genetics (formerly Invitae), Labcorp
Classification: Uncertain significance for Epilepsy, childhood absence, susceptibility to, 5; Epilepsy, childhood absence, susceptibility to, 1. Last evaluated: 2024-05-24. Review status: criteria provided, single submitter. Criteria: Invitae Variant Classification Sherloc (09022015). Collection method: clinical testing. Allele origin: germline.
Comment: This sequence change replaces aspartic acid, which is acidic and polar, with glycine, which is neutral and non-polar, at codon 418 of the GABRB3 protein (p.Asp418Gly). This variant is not present in population databases (gnomAD no frequency). This variant has not been reported in the literature in individuals affected with GABRB3-related conditions. Advanced modeling of protein sequence and biophysical properties (such as structural, functional, and spatial information, amino acid conservation, physicochemical variation, residue mobility, and thermodynamic stability) performed at Invitae indicates that this missense variant is not expected to disrupt GABRB3 protein function with a negative predictive value of 95%. In summary, the available evidence is currently insufficient to determine the role of this variant in disease. Therefore, it has been classified as a Variant of Uncertain Significance.